The following is an entry in ClinVar:

ClinVar aggregate classification (germline): Benign/Likely benign. Review status: criteria provided, multiple submitters, no conflicts (2 of 4 stars). 2 submissions from 2 submitters: Benign (1); Likely benign (1). Last evaluated 2025-09-24.

Conditions:
Anemia, congenital dyserythropoietic, type IVa. Also called: Congenital dyserythropoietic anemia type 4; Congenital dyserythropoietic anemia, type IV; CDA, TYPE IVa. Identifiers: Orphanet 293825, MedGen C3150926, MONDO:0013355, OMIM 613673.

Allele frequency attached by ClinVar (database versions not stated): gnomAD 0.00001 and 0.00003; ExAC 0.00016; TOPMed 0.00002; gnomAD exomes 0.00005 and 0.00006.

Submissions (2):

Labcorp Genetics (formerly Invitae), Labcorp
Classification: Likely benign. Last evaluated: 2025-09-24. Review status: criteria provided, single submitter. Criteria: Invitae Variant Classification Sherloc (09022015). Collection method: clinical testing. Allele origin: germline.

Illumina Laboratory Services, Illumina
Classification: Benign for Anemia, congenital dyserythropoietic, type IVa. Last evaluated: 2018-01-12. Review status: criteria provided, single submitter. Criteria: ICSL Variant Classification Criteria 13 December 2019. Collection method: clinical testing. Allele origin: germline.
Comment: This variant was observed in the ICSL laboratory as part of a predisposition screen in an ostensibly healthy population. It had not been previously curated by ICSL or reported in the Human Gene Mutation Database (HGMD: prior to June 1st, 2018), and was therefore a candidate for classification through an automated scoring system. Utilizing variant allele frequency, disease prevalence and penetrance estimates, and inheritance mode, an automated score was calculated to assess if this variant is too frequent to cause the disease. Based on the score and internal cut-off values, a variant classified as benign is not then subjected to further curation. The score for this variant resulted in a classification of benign for this disease.

NM_006563.5(KLF1):c.286C>T (p.Leu96=)

Gene: KLF1 (KLF transcription factor 1; minus strand). Cytogenetic location: 19p13.13.
Variant type: single nucleotide variant.
Coding change: c.286C>T on transcript NM_006563.5 (MANE Select); coding-DNA position 286, C replaced by T.
Protein change: p.Leu96=; no amino-acid change (leucine 96 retained).
Molecular consequence: synonymous variant.
Genome position (GRCh38, 1-based): chr19:12,885,944, G>A on the plus strand (C>T on the coding strand, the complement: KLF1 is on the minus strand). VCF-style: chr19-12885944-G-A. GRCh37 (hg19) VCF-style: chr19-12996758-G-A.
Identifiers: ClinVar variation 328322 (VCV000328322.6), dbSNP rs748056490, ClinGen allele CA9234067.